The following is an entry in ClinVar:

ClinVar aggregate classification (germline): Benign. Review status: criteria provided, multiple submitters, no conflicts (2 of 4 stars). 2 submissions from 2 submitters: Benign (2). Last evaluated 2018-06-14.

Allele frequency attached by ClinVar (database versions not stated): gnomAD 0.05370 and 0.05474; TOPMed 0.05385; 1000 Genomes Project 30x 0.06277; 1000 Genomes Project 0.06390.
gnomAD v4.1: 8,302 of 152,020 alleles (5.5%); highest among the groups gnomAD compares: East Asian, 11%; 251 homozygotes.

Submissions (2):

GeneDx
Classification: Benign. Last evaluated: 2018-06-14. Review status: criteria provided, single submitter. Criteria: GeneDx Variant Classification (06012015). Collection method: clinical testing. Allele origin: germline. Affected: yes.
Comment: This variant is considered likely benign or benign based on one or more of the following criteria: it is a conservative change, it occurs at a poorly conserved position in the protein, it is predicted to be benign by multiple in silico algorithms, and/or has population frequency not consistent with disease.

Breakthrough Genomics
Classification: Benign. Review status: criteria provided, single submitter. Criteria: ACMG Guidelines, 2015. Collection method: not provided. Allele origin: germline. Inheritance: Autosomal recessive inheritance. Affected: yes.

NM_153717.3(EVC):c.385-170T>A

Gene: EVC (EvC ciliary complex subunit 1; plus strand). Cytogenetic location: 4p16.2.
Variant type: single nucleotide variant.
Coding change: c.385-170T>A on transcript NM_153717.3 (MANE Select); 170 bases into the intron before coding-DNA position 385, T replaced by A.
Molecular consequence: intron variant.
Genome position (GRCh38, 1-based): chr4:5,731,255, T>A. VCF-style: chr4-5731255-T-A. GRCh37 (hg19) VCF-style: chr4-5732982-T-A.
Other names: c.385-170T>A (NM_001306090.2, NM_001306092.2).
Identifiers: ClinVar variation 673038 (VCV000673038.2), dbSNP rs28718969, ClinGen allele CA11715298.